The following is an entry in ClinVar:

NM_015512.5(DNAH1):c.6930C>T (p.Ile2310=)

Gene: DNAH1 (dynein axonemal heavy chain 1; plus strand). Cytogenetic location: 3p21.1.
Variant type: single nucleotide variant.
Coding change: c.6930C>T on transcript NM_015512.5 (MANE Select); coding-DNA position 6930, C replaced by T.
Protein change: p.Ile2310=; no amino-acid change (isoleucine 2310 retained).
Molecular consequence: synonymous variant.
Genome position (GRCh38, 1-based): chr3:52,372,998, C>T. VCF-style: chr3-52372998-C-T. GRCh37 (hg19) VCF-style: chr3-52407014-C-T.
Other names: c.6930C>T (NM_015512.4).
Identifiers: ClinVar variation 1122284 (VCV001122284.10), dbSNP rs370197256, ClinGen allele CA2434685.
Genomic context (GRCh38, chr3:52,372,998, plus strand): 5'-CTTCTTCATCGATGACCTGAACATGCCGGCCCTGGAGACCTACGGTGCACAGCCACCCAT[C>T]GAGCTGTTGCGCCAGTGGATGGACCACGGCGGCTGGTACGACCGCAAGATCATTGGTGAG-3'
Protein context (NP_056327.4, residues 2300-2320): ALETYGAQPP[Ile2310=]ELLRQWMDHG

ClinVar aggregate classification (germline): Likely benign. Review status: criteria provided, multiple submitters, no conflicts (2 of 4 stars). 3 submissions from 3 submitters: Likely benign (2). 1 of the submissions does not count toward it. Last evaluated 2025-11-24.

Conditions:
Spermatogenic failure 18. Identifiers: MedGen C4539783, MONDO:0054615, OMIM 617576.
Ciliary dyskinesia, primary, 37 (CILD37). Also called: CILIARY DYSKINESIA, PRIMARY, 37, WITH OR WITHOUT SITUS INVERSUS. Identifiers: MedGen C4539798, MONDO:0033204, OMIM 617577.
DNAH1-related disorder. Also called: DNAH1-related condition.

Allele frequency attached by ClinVar (database versions not stated): gnomAD exomes 0.00010; 1000 Genomes Project 30x 0.00047; ExAC 0.00012; 1000 Genomes Project 0.00060.
gnomAD v4.1: 66 of 1,613,604 alleles (0.0041%); highest among the groups gnomAD compares: East Asian, 0.045%; 1 homozygote.

Submissions (3):

Labcorp Genetics (formerly Invitae), Labcorp
Classification: Likely benign for Ciliary dyskinesia, primary, 37; Spermatogenic failure 18. Last evaluated: 2025-11-24. Review status: criteria provided, single submitter. Criteria: Invitae Variant Classification Sherloc (09022015). Collection method: clinical testing. Allele origin: germline.

Fulgent Genetics
Classification: Likely benign for Spermatogenic failure 18; Ciliary dyskinesia, primary, 37. Last evaluated: 2022-04-02. Review status: criteria provided, single submitter. Criteria: ACMG Guidelines, 2015. Collection method: clinical testing. Allele origin: unknown.

PreventionGenetics, part of Exact Sciences
Classification: Likely benign for DNAH1-related condition. Last evaluated: 2019-06-17. Review status: no assertion criteria provided. Collection method: clinical testing. Allele origin: germline. Not counted in ClinVar's aggregate classification.
Comment: This variant is classified as likely benign based on ACMG/AMP sequence variant interpretation guidelines (Richards et al. 2015 PMID: 25741868, with internal and published modifications).